The following is an entry in ClinVar:

NM_001018005.2(TPM1):c.760G>A (p.Asp254Asn)

Gene: TPM1 (tropomyosin 1; plus strand). Cytogenetic location: 15q22.2.
Variant type: single nucleotide variant.
Coding change: c.760G>A on transcript NM_001018005.2 (MANE Select); coding-DNA position 760, G replaced by A.
Protein change: p.Asp254Asn; replaces aspartic acid 254 with asparagine.
Molecular consequence: missense variant. On other transcripts: non-coding transcript variant (17).
Genome position (GRCh38, 1-based): chr15:63,062,633, G>A. VCF-style: chr15-63062633-G-A. GRCh37 (hg19) VCF-style: chr15-63354832-G-A.
Other names: c.886G>A, p.Asp296Asn (NM_001407323.1, NM_001407324.1, NM_001365778.1 and 1 more transcripts); c.760G>A, p.Asp254Asn (NM_001407325.1, NM_001407326.1, NM_001407327.1 and 20 more transcripts); c.652G>A, p.Asp218Asn (NM_001407344.1, NM_001018008.2, NM_001301289.2 and 9 more transcripts); short protein forms D218N, D296N, D254N.
Identifiers: ClinVar variation 2839440 (VCV002839440.3), dbSNP rs2542851638, ClinGen allele CA392724659.

ClinVar aggregate classification (germline): Uncertain significance (1 of 4 stars; one submission).

Conditions:
Hypertrophic cardiomyopathy. Also called: HYPERTROPHIC MYOCARDIOPATHY. Identifiers: Orphanet 217569, MedGen C0007194, MeSH D002312, MONDO:0005045, HP:0001639.

Submission:

Labcorp Genetics (formerly Invitae), Labcorp
Classification: Uncertain significance for Hypertrophic cardiomyopathy. Last evaluated: 2023-02-21. Review status: criteria provided, single submitter. Criteria: Invitae Variant Classification Sherloc (09022015). Collection method: clinical testing. Allele origin: germline.
Comment: This sequence change replaces aspartic acid, which is acidic and polar, with asparagine, which is neutral and polar, at codon 254 of the TPM1 protein (p.Asp254Asn). This variant is not present in population databases (gnomAD no frequency). This variant has not been reported in the literature in individuals affected with TPM1-related conditions. An algorithm developed to predict the effect of missense changes on protein structure and function (PolyPhen-2) suggests that this variant is likely to be disruptive. In summary, the available evidence is currently insufficient to determine the role of this variant in disease. Therefore, it has been classified as a Variant of Uncertain Significance.